The following is an entry in ClinVar:

NM_001197104.2(KMT2A):c.412G>A (p.Gly138Arg)

Gene: KMT2A (lysine methyltransferase 2A; plus strand). Cytogenetic location: 11q23.3.
Variant type: single nucleotide variant.
Coding change: c.412G>A on transcript NM_001197104.2 (MANE Select); coding-DNA position 412, G replaced by A.
Protein change: p.Gly138Arg; replaces glycine 138 with arginine.
Molecular consequence: missense variant.
Genome position (GRCh38, 1-based): chr11:118,436,924, G>A. VCF-style: chr11-118436924-G-A. GRCh37 (hg19) VCF-style: chr11-118307639-G-A.
Other names: c.412G>A, p.Gly138Arg (NM_001412597.1, NM_005933.4); short protein forms G138R.
Identifiers: ClinVar variation 2038508 (VCV002038508.28), dbSNP rs782080138, ClinGen allele CA6303242.

ClinVar aggregate classification (germline): Conflicting classifications of pathogenicity. Review status: criteria provided, conflicting classifications (1 of 4 stars). 2 submissions from 2 submitters: Uncertain significance (1); Likely benign (1). Last evaluated 2025-12-26.

Allele frequency attached by ClinVar (database versions not stated): gnomAD 0.00002; TOPMed 0.00002; ExAC 0.00003.
gnomAD v4.1: 6 of 1,547,642 alleles (0.00039%); highest among the groups gnomAD compares: African/African-American, 0.0069%; no homozygotes.

Submissions (2):

Labcorp Genetics (formerly Invitae), Labcorp
Classification: Uncertain significance. Last evaluated: 2025-12-26. Review status: criteria provided, single submitter. Criteria: Invitae Variant Classification Sherloc (09022015). Collection method: clinical testing. Allele origin: germline.
Comment: This sequence change replaces glycine, which is neutral and non-polar, with arginine, which is basic and polar, at codon 138 of the KMT2A protein (p.Gly138Arg). The frequency data for this variant in the population databases is considered unreliable, as metrics indicate poor data quality at this position in the gnomAD database. This variant has not been reported in the literature in individuals affected with KMT2A-related conditions. ClinVar contains an entry for this variant (Variation ID: 2038508). Invitae Evidence Modeling of protein sequence and biophysical properties (such as structural, functional, and spatial information, amino acid conservation, physicochemical variation, residue mobility, and thermodynamic stability) has been performed for this missense variant. However, the output from this modeling did not meet the statistical confidence thresholds required to predict the impact of this variant on KMT2A protein function. In summary, the available evidence is currently insufficient to determine the role of this variant in disease. Therefore, it has been classified as a Variant of Uncertain Significance.

CeGaT Center for Human Genetics Tuebingen
Classification: Likely benign. Last evaluated: 2023-01-01. Review status: criteria provided, single submitter. Criteria: CeGaT Center For Human Genetics Tuebingen Variant Classification Criteria Version 2. Collection method: clinical testing. Allele origin: germline. Affected: yes. Observed: 1 variant allele.
Comment: KMT2A: PP2, BS2